The following is an entry in ClinVar:

ClinVar aggregate classification (germline): Pathogenic (0 of 4 stars; one submission).

Conditions:
Congenital myasthenic syndrome 10. Also called: Myasthenia, limb-girdle, familial. Identifiers: Orphanet 590, MedGen C1850792, MONDO:0009690, OMIM 254300.

Allele frequency attached by ClinVar (database versions not stated): gnomAD exomes 0.00001; ExAC 0.00004.
gnomAD v4.1: 12 of 1,573,498 alleles (0.00076%); highest among the groups gnomAD compares: East Asian, 0.0069%; no homozygotes.

Submission:

Foundation for Research in Genetics and Endocrinology, FRIGE's Institute of Human Genetics
Classification: Pathogenic for Congenital myasthenic syndrome 10. Last evaluated: 2018-03-01. Review status: no assertion criteria provided. Collection method: clinical testing. Allele origin: germline. Inheritance: Autosomal recessive inheritance. Affected: yes and no. Observed: 2 variant alleles, 1 heterozygote, 1 compound heterozygote.
Comment: The observed variant c.1061C>T (p.S354F) is not reported in 1000 Genomes and its minor allele frequency in ExAC databases is 0.00003825. The in silico prediction of the variant is disease causing by MutationTaster2, tolerated by SIFT, and benign by PolyPhen2.

NM_173660.5(DOK7):c.1061C>T (p.Ser354Phe)

Gene: DOK7 (docking protein 7; plus strand). Cytogenetic location: 4p16.3.
Variant type: single nucleotide variant.
Coding change: c.1061C>T on transcript NM_173660.5 (MANE Select); coding-DNA position 1061, C replaced by T.
Protein change: p.Ser354Phe; replaces serine 354 with phenylalanine.
Molecular consequence: missense variant. On other transcripts: 3 prime UTR variant (1).
Genome position (GRCh38, 1-based): chr4:3,493,047, C>T. VCF-style: chr4-3493047-C-T. GRCh37 (hg19) VCF-style: chr4-3494774-C-T.
Other names: c.*282C>T (NM_001164673.2); c.131C>T, p.Ser44Phe (NM_001256896.2); c.1061C>T, p.Ser354Phe (NM_001301071.2); c.629C>T, p.Ser210Phe (NM_001363811.2); short protein forms S354F, S44F, S210F.
Identifiers: ClinVar variation 544830 (VCV000544830.2), dbSNP rs756015202, ClinGen allele CA2829343.